The following is an entry in ClinVar:

ClinVar aggregate classification (germline): Uncertain significance (1 of 4 stars; one submission).

Submission:

Laboratory for Molecular Medicine, Mass General Brigham Personalized Medicine
Classification: Uncertain significance. Last evaluated: 2019-05-22. Review status: criteria provided, single submitter. Criteria: LMM Criteria. Collection method: clinical testing. Allele origin: germline. Observed: 1 variant allele.
Comment: The p.Ala132Ser variant in CDC14A has not been previously reported in individuals with hearing loss and was absent from large population studies. Computational prediction tools and conservation analysis suggest that this variant may impact the protein, though this information is not predictive enough to determine pathogenicity. In summary, the clinical significance of this variant is uncertain. ACMG/AMP Criteria applied: PM2, PP3

NM_003672.4(CDC14A):c.394G>T (p.Ala132Ser)

Gene: CDC14A (cell division cycle 14A; plus strand). Cytogenetic location: 1p21.2.
Variant type: single nucleotide variant.
Coding change: c.394G>T on transcript NM_003672.4 (MANE Select); coding-DNA position 394, G replaced by T.
Protein change: p.Ala132Ser; replaces alanine 132 with serine.
Molecular consequence: missense variant. On other transcripts: 5 prime UTR variant (1).
Genome position (GRCh38, 1-based): chr1:100,439,936, G>T. VCF-style: chr1-100439936-G-T. GRCh37 (hg19) VCF-style: chr1-100905492-G-T.
Other names: c.394G>T, p.Ala132Ser (NM_001319210.2, NM_033312.3, NM_033313.3); c.220G>T, p.Ala74Ser (NM_001319211.2); c.-398G>T (NM_001319212.2); short protein forms A74S, A132S.
Identifiers: ClinVar variation 930064 (VCV000930064.4), dbSNP rs1664742874, ClinGen allele CA341354332.